The following is an entry in ClinVar:

ClinVar aggregate classification (germline): Pathogenic (1 of 4 stars; one submission).

Conditions:
Developmental and epileptic encephalopathy, 9 (DEE9). Also called: Early infantile epileptic encephalopathy 9; EPILEPSY, FEMALE-RESTRICTED, WITH MENTAL RETARDATION; JUBERG-HELLMAN SYNDROME; PCDH19-Related X-Linked Female-Limited Epilepsy with Mental Retardation. Identifiers: Orphanet 101039, Orphanet 2076, MedGen C1848137, MONDO:0010246, OMIM 300088. Disease mechanism: loss of function.

Submission:

Labcorp Genetics (formerly Invitae), Labcorp
Classification: Pathogenic for Developmental and epileptic encephalopathy, 9. Last evaluated: 2025-01-15. Review status: criteria provided, single submitter. Criteria: Invitae Variant Classification Sherloc (09022015). Collection method: clinical testing. Allele origin: germline.
Comment: This sequence change creates a premature translational stop signal (p.Leu993Cysfs*41) in the PCDH19 gene. While this is not anticipated to result in nonsense mediated decay, it is expected to disrupt the last 156 amino acid(s) of the PCDH19 protein. This variant is not present in population databases (gnomAD no frequency). This variant has not been reported in the literature in individuals affected with PCDH19-related conditions. ClinVar contains an entry for this variant (Variation ID: 2120558). Experimental studies and prediction algorithms are not available or were not evaluated, and the functional significance of this variant is currently unknown. This variant disrupts a region of the PCDH19 protein in which other variant(s) (p.Tyr1083Serfs*47) have been determined to be pathogenic (internal data). This suggests that this is a clinically significant region of the protein, and that variants that disrupt it are likely to be disease-causing. For these reasons, this variant has been classified as Pathogenic.

NM_001184880.2(PCDH19):c.2977del (p.Leu993fs)

Gene: PCDH19 (protocadherin 19; minus strand). Cytogenetic location: Xq22.1.
Variant type: Deletion.
Coding change: c.2977del on transcript NM_001184880.2 (MANE Select); coding-DNA position 2977, one base deleted (C; older notation c.2977delC).
Protein change: p.Leu993fs; shifts the reading frame from leucine 993.
Molecular consequence: frameshift variant.
Genome position (GRCh38, 1-based): chrX:100,296,747, G deleted on the plus strand (C on the coding strand, the reverse complement: PCDH19 is on the minus strand). VCF-style (leftmost placement, unchanged base first): chrX-100296746-AG-A. GRCh37 (hg19) VCF-style: chrX-99551744-AG-A.
Other names: c.2836del, p.Leu946fs (NM_001105243.2); c.2833del, p.Leu945fs (NM_020766.3); short protein forms L993fs, L945fs, L946fs.
Identifiers: ClinVar variation 2120558 (VCV002120558.4), dbSNP rs2520448495, ClinGen allele CA2580100035.
Genomic context (GRCh38, chrX:100,296,746, plus strand): 5'-CGTTTGGTGGGGCCGCAGTCGTCATAAGCCTCGACATCAGCAGCAGTAGCTTCAATAGAC[AG>A]CGCGATGATGTTCCTCACATGCTCAGGGGACTTGGAACGGATGGGCATGGGGTTCCGGGG-3'